The following is an entry in ClinVar:

ClinVar aggregate classification (germline): Benign. Review status: criteria provided, multiple submitters, no conflicts (2 of 4 stars). 3 submissions from 3 submitters: Benign (3). Last evaluated 2026-01-27.

Allele frequency attached by ClinVar (database versions not stated): ESP Exome Variant Server 0.49452; gnomAD 0.52278; TOPMed 0.54543; 1000 Genomes Project 30x 0.63976; gnomAD exomes 0.50316; ExAC 0.51945.
gnomAD v4.1: 688,293 of 1,551,188 alleles (44%); highest among the groups gnomAD compares: East Asian, 84%; 162,396 homozygotes.

Submissions (3):

Labcorp Genetics (formerly Invitae), Labcorp
Classification: Benign. Last evaluated: 2026-01-27. Review status: criteria provided, single submitter. Criteria: Invitae Variant Classification Sherloc (09022015). Collection method: clinical testing. Allele origin: germline.

GeneDx
Classification: Benign. Last evaluated: 2018-05-07. Review status: criteria provided, single submitter. Criteria: GeneDx Variant Classification (06012015). Collection method: clinical testing. Allele origin: germline. Affected: yes.
Comment: This variant is considered likely benign or benign based on one or more of the following criteria: it is a conservative change, it occurs at a poorly conserved position in the protein, it is predicted to be benign by multiple in silico algorithms, and/or has population frequency not consistent with disease.

Breakthrough Genomics
Classification: Benign. Review status: criteria provided, single submitter. Criteria: ACMG Guidelines, 2015. Collection method: not provided. Allele origin: germline. Inheritance: Unknown mechanism. Affected: yes.

NM_001291088.2(WDR87):c.4865G>A (p.Arg1622Gln)

Gene: WDR87 (WD repeat domain 87; minus strand). Cytogenetic location: 19q13.13.
Variant type: single nucleotide variant.
Coding change: c.4865G>A on transcript NM_001291088.2 (MANE Select); coding-DNA position 4865, G replaced by A.
Protein change: p.Arg1622Gln; replaces arginine 1622 with glutamine.
Molecular consequence: missense variant.
Genome position (GRCh38, 1-based): chr19:37,888,806, C>T on the plus strand (G>A on the coding strand, the complement: WDR87 is on the minus strand). VCF-style: chr19-37888806-C-T. GRCh37 (hg19) VCF-style: chr19-38379446-C-T.
Other names: c.4748G>A, p.Arg1583Gln (NM_031951.5); short protein forms R1583Q, R1622Q.
Identifiers: ClinVar variation 677194 (VCV000677194.10), dbSNP rs6508750, ClinGen allele CA9408622.